The following is an entry in ClinVar:

NM_000019.4(ACAT1):c.742G>A (p.Val248Ile)

Gene: ACAT1 (acetyl-CoA acetyltransferase 1; plus strand). Cytogenetic location: 11q22.3.
Variant type: single nucleotide variant.
Coding change: c.742G>A on transcript NM_000019.4 (MANE Select); coding-DNA position 742, G replaced by A.
Protein change: p.Val248Ile; replaces valine 248 with isoleucine.
Molecular consequence: missense variant. On other transcripts: non-coding transcript variant (2).
Genome position (GRCh38, 1-based): chr11:108,141,616, G>A. VCF-style: chr11-108141616-G-A. GRCh37 (hg19) VCF-style: chr11-108012343-G-A.
Other names: c.742G>A, p.Val248Ile (NM_001386677.1); c.427G>A, p.Val143Ile (NM_001386678.1); c.445G>A, p.Val149Ile (NM_001386679.1); c.472G>A, p.Val158Ile (NM_001386681.1, NM_001386682.1, NM_001386685.1 and 6 more transcripts); short protein forms V149I, V158I, V248I, V143I.
Identifiers: ClinVar variation 1987740 (VCV001987740.3), dbSNP rs954526075, ClinGen allele CA228356391.

ClinVar aggregate classification (germline): Uncertain significance. Review status: criteria provided, multiple submitters, no conflicts (2 of 4 stars). 2 submissions from 2 submitters: Uncertain significance (2). Last evaluated 2025-11-27.

Conditions:
Deficiency of acetyl-CoA acetyltransferase. Also called: 3-KETOTHIOLASE DEFICIENCY; 3-OXOTHIOLASE DEFICIENCY; Beta-ketothiolase deficiency; MITOCHONDRIAL ACETOACETYL-CoA THIOLASE DEFICIENCY. Identifiers: Orphanet 134, MedGen C1536500, MONDO:0008760, OMIM 203750. Disease mechanism: loss of function.

Allele frequency attached by ClinVar (database versions not stated): TOPMed below 0.00001; gnomAD exomes 0.00001.
gnomAD v4.1: 5 of 1,612,154 alleles (0.00031%); highest among the groups gnomAD compares: Non-Finnish European, 0.00042%; no homozygotes.

Submissions (2):

Women's Health and Genetics/Laboratory Corporation of America, LabCorp
Classification: Uncertain significance. Last evaluated: 2025-11-27. Review status: criteria provided, single submitter. Criteria: LabCorp Variant Classification Summary - May 2015. Collection method: clinical testing. Allele origin: germline.

Labcorp Genetics (formerly Invitae), Labcorp
Classification: Uncertain significance for Deficiency of acetyl-CoA acetyltransferase. Last evaluated: 2024-12-02. Review status: criteria provided, single submitter. Criteria: Invitae Variant Classification Sherloc (09022015). Collection method: clinical testing. Allele origin: germline.
Comment: This sequence change replaces valine, which is neutral and non-polar, with isoleucine, which is neutral and non-polar, at codon 248 of the ACAT1 protein (p.Val248Ile). This variant is present in population databases (no rsID available, gnomAD 0.01%). This variant has not been reported in the literature in individuals affected with ACAT1-related conditions. ClinVar contains an entry for this variant (Variation ID: 1987740). Invitae Evidence Modeling of protein sequence and biophysical properties (such as structural, functional, and spatial information, amino acid conservation, physicochemical variation, residue mobility, and thermodynamic stability) indicates that this missense variant is not expected to disrupt ACAT1 protein function with a negative predictive value of 95%. In summary, the available evidence is currently insufficient to determine the role of this variant in disease. Therefore, it has been classified as a Variant of Uncertain Significance.